The following is an entry in ClinVar:

NM_018993.4(RIN2):c.212G>A (p.Cys71Tyr)

Gene: RIN2 (Ras and Rab interactor 2; plus strand). Cytogenetic location: 20p11.23.
Variant type: single nucleotide variant.
Coding change: c.212G>A on transcript NM_018993.4 (MANE Select); coding-DNA position 212, G replaced by A.
Protein change: p.Cys71Tyr; replaces cysteine 71 with tyrosine.
Molecular consequence: missense variant. On other transcripts: 5 prime UTR variant (1).
Genome position (GRCh38, 1-based): chr20:19,956,668, G>A. VCF-style: chr20-19956668-G-A. GRCh37 (hg19) VCF-style: chr20-19937312-G-A.
Other names: c.359G>A, p.Cys120Tyr (NM_001242581.2); c.-334G>A (NM_001378238.1); short protein forms C71Y, C120Y.
Identifiers: ClinVar variation 387339 (VCV000387339.10), dbSNP rs142502440, ClinGen allele CA9779762.

ClinVar aggregate classification (germline): Benign. Review status: criteria provided, multiple submitters, no conflicts (2 of 4 stars). 3 submissions from 3 submitters: Benign (3). Last evaluated 2026-02-04.

Allele frequency attached by ClinVar (database versions not stated): 1000 Genomes Project 30x 0.01593; 1000 Genomes Project 0.01597; TOPMed 0.02653; gnomAD 0.03202 and 0.03307; ESP Exome Variant Server 0.03265; gnomAD exomes 0.03595 and 0.03855; ExAC 0.04135.
gnomAD v4.1: 60,917 of 1,613,190 alleles (3.8%); highest among the groups gnomAD compares: Middle Eastern, 5%; 1,408 homozygotes.

Submissions (3):

Labcorp Genetics (formerly Invitae), Labcorp
Classification: Benign. Last evaluated: 2026-02-04. Review status: criteria provided, single submitter. Criteria: Invitae Variant Classification Sherloc (09022015). Collection method: clinical testing. Allele origin: germline.

GeneDx
Classification: Benign. Last evaluated: 2016-10-05. Review status: criteria provided, single submitter. Criteria: GeneDx Variant Classification (06012015). Collection method: clinical testing. Allele origin: germline. Affected: yes.
Comment: This variant is considered likely benign or benign based on one or more of the following criteria: it is a conservative change, it occurs at a poorly conserved position in the protein, it is predicted to be benign by multiple in silico algorithms, and/or has population frequency not consistent with disease.

Breakthrough Genomics
Classification: Benign. Review status: criteria provided, single submitter. Criteria: ACMG Guidelines, 2015. Collection method: not provided. Allele origin: germline. Inheritance: Autosomal recessive inheritance. Affected: yes.